The following is an entry in ClinVar:

NM_001369369.1(FOXN1):c.638T>C (p.Met213Thr)

Gene: FOXN1 (forkhead box N1; plus strand). Cytogenetic location: 17q11.2.
Variant type: single nucleotide variant.
Coding change: c.638T>C on transcript NM_001369369.1 (MANE Select); coding-DNA position 638, T replaced by C.
Protein change: p.Met213Thr; replaces methionine 213 with threonine.
Molecular consequence: missense variant.
Genome position (GRCh38, 1-based): chr17:28,527,300, T>C. VCF-style: chr17-28527300-T-C. GRCh37 (hg19) VCF-style: chr17-26854318-T-C.
Other names: c.638T>C, p.Met213Thr (NM_003593.3); short protein forms M213T.
Identifiers: ClinVar variation 1991833 (VCV001991833.2), dbSNP rs2508376715, ClinGen allele CA398322304.

ClinVar aggregate classification (germline): Uncertain significance (1 of 4 stars; one submission).

Conditions:
T-cell immunodeficiency, congenital alopecia, and nail dystrophy. Also called: Congenital alopecia and nail dystrophy associated with severe functional T-cell immunodeficiency; Pignata Guarino syndrome. Identifiers: Orphanet 169095, MedGen C1866426, MONDO:0011132, OMIM 601705.

Submission:

Labcorp Genetics (formerly Invitae), Labcorp
Classification: Uncertain significance for T-cell immunodeficiency, congenital alopecia, and nail dystrophy. Last evaluated: 2025-09-08. Review status: criteria provided, single submitter. Criteria: Invitae Variant Classification Sherloc (09022015). Collection method: clinical testing. Allele origin: germline.
Comment: This sequence change replaces methionine, which is neutral and non-polar, with threonine, which is neutral and polar, at codon 213 of the FOXN1 protein (p.Met213Thr). This variant is not present in population databases (gnomAD no frequency). This variant has not been reported in the literature in individuals affected with FOXN1-related conditions. ClinVar contains an entry for this variant (Variation ID: 1991833). Invitae Evidence Modeling of protein sequence and biophysical properties (such as structural, functional, and spatial information, amino acid conservation, physicochemical variation, residue mobility, and thermodynamic stability) indicates that this missense variant is not expected to disrupt FOXN1 protein function with a negative predictive value of 80%. In summary, the available evidence is currently insufficient to determine the role of this variant in disease. Therefore, it has been classified as a Variant of Uncertain Significance.